The following is an entry in ClinVar:

NM_177438.3(DICER1):c.4748T>G (p.Leu1583Arg)

Gene: DICER1 (dicer 1, ribonuclease III; minus strand). Cytogenetic location: 14q32.13.
Variant type: single nucleotide variant.
Coding change: c.4748T>G on transcript NM_177438.3 (MANE Select); coding-DNA position 4748, T replaced by G.
Protein change: p.Leu1583Arg; replaces leucine 1583 with arginine.
Molecular consequence: missense variant.
Genome position (GRCh38, 1-based): chr14:95,096,172, A>C on the plus strand (T>G on the coding strand, the complement: DICER1 is on the minus strand). VCF-style: chr14-95096172-A-C. GRCh37 (hg19) VCF-style: chr14-95562509-A-C.
Other names: NP_803187.1:p.L1583R; NM_177438.2(DICER1):c.4748T>G; c.4748T>G, p.Leu1583Arg (NM_001195573.1, NM_001271282.3, NM_001291628.2 and 1 more transcripts); short protein forms L1583R.
Identifiers: ClinVar variation 4468 (VCV000004468.7), dbSNP rs137852976, ClinGen allele CA212568.

ClinVar aggregate classification (germline): Likely pathogenic. Review status: reviewed by expert panel (3 of 4 stars). 4 submissions from 4 submitters: Likely pathogenic (1). 3 of the submissions do not count toward it. Last evaluated 2026-11-03.

Conditions:
DICER1-related tumor predisposition. Also called: DICER1 syndrome; DICER1-related pleuropulmonary blastoma cancer predisposition syndrome. Identifiers: Orphanet 284343, MedGen C3839822, MONDO:0100216.
Pleuropulmonary blastoma (PPB). Identifiers: Orphanet 64742, MedGen C1266144, MONDO:0011014, OMIM 601200, HP:0100528.

Submissions (4):

ClinGen DICER1 and miRNA-Processing Gene Variant Curation Expert Panel, ClinGen
Classification: Likely pathogenic for DICER1-related tumor predisposition. Last evaluated: 2026-11-03. Review status: reviewed by expert panel. Criteria: ClinGen DICER1 and miRNA-Processing Gene Expert Panel Specifications to the ACMG/AMP Variant Interpretation Guidelines for DICER1 Version 1.4. Collection method: curation. Allele origin: germline. Inheritance: Autosomal dominant inheritance.
Comment: The NM_177438.3:c.4748T>G variant in DICER1 is a missense variant predicted to replace leucine with arginine at codon 1583 (p.Leu1583Arg). This variant received a total of 1 phenotype point(s) across 1 family meeting DICER1 VCEP phenotype specificity scoring criteria of 1-1.5 points (PS4_Supporting; PMID: 19556464). The variant has been reported to segregate with PPB and lung cysts in 3 affected family members (5 meioses) from 1 family (PP1_Moderate; PMID: 19556464). This variant is absent from gnomAD v4.1.1 (PM2_Supporting). In vitro cleavage assays carried out using immunopurified DICER1 variant Leu1583Arg showed that this variant reduces the capacity of the protein to produce 5p/3p microRNAs from a pre-miRNA, indicating that this variant impacts protein function (PS3_Supporting; Wu 2018, McGill University). The computational predictor REVEL gives a score of 0.894, which is above the threshold of 0.750, evidence that correlates with impact to DICER1 function (PP3). In summary, this variant meets the criteria to be classified as Likely Pathogenic for DICER1-related tumor predisposition based on the ACMG/AMP criteria applied, as specified by the ClinGen DICER1 VCEP: PS4_Supporting, PP1_Moderate, PM2_Supporting, PS3_Supporting, PP3. (VCEP specifications version 1.4.0) Based on Tavtigian et al 2020 (PMID:32720330), the total points applied = 6, which equates to a classification of Likely Pathogenic.

Foulkes Cancer Genetics LDI, Lady Davis Institute for Medical Research
Classification: Likely pathogenic for Pleuropulmonary blastoma. Last evaluated: 2019-07-01. Review status: criteria provided, single submitter. Criteria: ACMG Guidelines, 2015. Collection method: curation. Allele origin: germline. Affected: yes. Observed: 1 variant allele. Not counted in ClinVar's aggregate classification.
Comment: ACMG criteria met: PS3, PP3, PP4, BP1

International Pleuropulmonary Blastoma Registry, Children's Hospitals and Clinics of Minnesota
Classification: Pathogenic for Pleuropulmonary blastoma. Last evaluated: 2014-11-10. Review status: criteria provided, single submitter. Criteria: Hill et al. (Science. 2009). Collection method: clinical testing. Allele origin: germline. Affected: yes. Study: PPB-DICER1 Genetic study. Not counted in ClinVar's aggregate classification.

OMIM
Classification: Pathogenic for PLEUROPULMONARY BLASTOMA. Last evaluated: 2009-08-21. Review status: no assertion criteria provided. Collection method: literature only. Allele origin: germline. Not counted in ClinVar's aggregate classification.

Literature cited by the submitters: PubMed 19556464 (cited by Foulkes Cancer Genetics LDI, Lady Davis Institute for Medical Research and OMIM); PubMed 26925222 (cited by International Pleuropulmonary Blastoma Registry, Children's Hospitals and Clinics of Minnesota).